The following is an entry in ClinVar:

ClinVar aggregate classification (germline): Conflicting classifications of pathogenicity. Review status: criteria provided, conflicting classifications (1 of 4 stars). 14 submissions from 14 submitters: Likely pathogenic (6); Uncertain significance (7). 1 of the submissions does not count toward it. Last evaluated 2026-08-24.

Conditions:
NPC1-related disorder. Also called: NPC1-related condition.
Niemann-Pick disease, type C (NPC). Identifiers: Orphanet 646, MedGen C0220756, MONDO:0018982.
Niemann-Pick disease, type C1. Also called: NEUROVISCERAL STORAGE DISEASE WITH VERTICAL SUPRANUCLEAR OPHTHALMOPLEGIA; NIEMANN-PICK DISEASE WITH CHOLESTEROL ESTERIFICATION BLOCK; NIEMANN-PICK DISEASE WITHOUT SPHINGOMYELINASE DEFICIENCY; NIEMANN-PICK DISEASE, CHRONIC NEURONOPATHIC FORM; NIEMANN-PICK DISEASE, VARIANT TYPE C1. Identifiers: Orphanet 646, MedGen C3179455, MONDO:0009757, OMIM 257220.

Allele frequency attached by ClinVar (database versions not stated): 1000 Genomes Project 30x 0.00016; 1000 Genomes Project 0.00020; TOPMed 0.00047; ESP Exome Variant Server 0.00062; gnomAD 0.00066; gnomAD exomes 0.00068 and 0.00074; ExAC 0.00094.
gnomAD v4.1: 1,175 of 1,614,152 alleles (0.073%); highest among the groups gnomAD compares: East Asian, 0.4%; 2 homozygotes.

Submissions 1 to 10 of 14:

PreventionGenetics, part of Exact Sciences
Classification: Uncertain significance for NPC1-related condition. Last evaluated: 2026-08-24. Review status: criteria provided, single submitter. Criteria: ACMG Guidelines, 2015. Collection method: clinical testing. Allele origin: germline.
Comment: The NPC1 c.3011C>T variant is predicted to result in the amino acid substitution p.Ser1004Leu. This variant has been reported in patients with Niemann-Pick disease, however, its pathogenicity was not completely elucidated (Sun et al. 2001. PubMed ID: 11349231; Kawazoe et al. 2018. PubMed ID: 30119649). This variant is reported in 0.15% of alleles in individuals of European (Finnish) descent in gnomAD and has conflicting interpretation in ClinVar ranging from uncertain to likely pathogenic (Variation ID: 326253). Of note, a different variant impacting the same amino acid (p.Ser1004Pro) has been documented in patients with NPC1-related disorder (Table S1 in Reunert. 2016. PubMed ID: 26981555). At this time, the clinical significance of this variant is uncertain due to the absence of conclusive functional and genetic evidence.

GeneDx
Classification: Uncertain significance. Last evaluated: 2026-07-22. Review status: criteria provided, single submitter. Criteria: GeneDx Variant Classification Process June 2021. Collection method: clinical testing. Allele origin: germline.
Comment: In silico analysis supports that this missense variant has a deleterious effect on protein structure/function; This variant is associated with the following publications: (PMID: 11349231, 24386122, 30119649, 34426522, 35207755, 34830064, 33990640, 29867446, 32371106, 30503768, 12955717, 25764212, 31701332, 15465421, 39507854, 32138288, 32222928, 37032242, 33147747, 40984926, Shammas2026[Poster], 28031458, 25099932)

Women's Health and Genetics/Laboratory Corporation of America, LabCorp
Classification: Likely pathogenic for Niemann-Pick disease, type C. Last evaluated: 2026-06-12. Review status: criteria provided, single submitter. Criteria: LabCorp Variant Classification Summary - May 2015. Collection method: clinical testing. Allele origin: germline.
Comment: Variant summary: NPC1 c.3011C>T (p.Ser1004Leu) results in a non-conservative amino acid change in the encoded protein sequence. Algorithms developed to predict the effect of missense changes on protein structure and function all suggest that this variant is likely to be disruptive. The variant allele was found at a frequency of 0.00068 in 251486 control chromosomes (gnomAD). This frequency is not significantly higher than estimated for disease-causing variants in NPC1, allowing no conclusion about variant significance. c.3011C>T has been observed in individuals affected with Niemann-Pick Disease Type C (Kawazoe_2018, Sun_2001, Internal data). These data indicate that the variant is likely to be associated with disease. To our knowledge, no experimental evidence demonstrating an impact on protein function has been reported. The following publications have been ascertained in the context of this evaluation (PMID: 30119649, 11349231, Internal data). ClinVar contains an entry for this variant (Variation ID: 326253). Based on the evidence outlined above, the variant was classified as likely pathogenic.

Labcorp Genetics (formerly Invitae), Labcorp
Classification: Likely pathogenic for Niemann-Pick disease, type C1. Last evaluated: 2026-02-01. Review status: criteria provided, single submitter. Criteria: Invitae Variant Classification Sherloc (09022015). Collection method: clinical testing. Allele origin: germline.
Comment: This sequence change replaces serine, which is neutral and polar, with leucine, which is neutral and non-polar, at codon 1004 of the NPC1 protein (p.Ser1004Leu). This variant is present in population databases (rs150334966, gnomAD 0.2%), and has an allele count higher than expected for a pathogenic variant. This missense change has been observed in individual(s) with Niemann-Pick disease (PMID: 11349231, 30119649; internal data). In at least one individual the data is consistent with being in trans (on the opposite chromosome) from a pathogenic variant. It has also been observed to segregate with disease in related individuals. ClinVar contains an entry for this variant (Variation ID: 326253). Invitae Evidence Modeling of protein sequence and biophysical properties (such as structural, functional, and spatial information, amino acid conservation, physicochemical variation, residue mobility, and thermodynamic stability) indicates that this missense variant is expected to disrupt NPC1 protein function with a positive predictive value of 95%. This variant disrupts the p.Ser1004 amino acid residue in NPC1. Other variant(s) that disrupt this residue have been observed in individuals with NPC1-related conditions (PMID: 32222928), which suggests that this may be a clinically significant amino acid residue. In summary, the currently available evidence indicates that the variant is pathogenic, but additional data are needed to prove that conclusively. Therefore, this variant has been classified as Likely Pathogenic.

CeGaT Center for Human Genetics Tuebingen
Classification: Likely pathogenic. Last evaluated: 2026-01-01. Review status: criteria provided, single submitter. Criteria: CeGaT Center For Human Genetics Tuebingen Variant Classification Criteria Version 2. Collection method: clinical testing. Allele origin: germline. Affected: yes. Observed: 4 variant alleles.
Comment: NPC1: PM1, PM3, PM5, PM2:Supporting, PP3

Natera, Inc.
Classification: Likely pathogenic for Niemann-Pick disease type C1. Last evaluated: 2025-11-10. Review status: criteria provided, single submitter. Criteria: Natera Variant Classification Schema (03/2026). Collection method: clinical testing. Allele origin: germline.
Comment: The c.3011C>T variant in NPC1 is a missense variant predicted to cause substitution of serine to leucine at amino acid 1004. This variant is rare in the general population with a frequency below the threshold expected for the associated phenotype(s). This variant has been observed in one or more individuals affected with the associated recessive disease, as either homozygous or compound heterozygous with a second variant (PMID: 30119649). Additionally, this variant has been observed to segregate in affected family members (PMID: 30119649). This variant has been identified in one or more affected individuals with a phenotype highly consistent with the associated gene (PMID: 30119649). Given the available evidence, this variant is classified as Likely Pathogenic.

Mayo Clinic Laboratories, Mayo Clinic
Classification: Uncertain significance. Last evaluated: 2024-10-03. Review status: criteria provided, single submitter. Criteria: ACMG Guidelines, 2015. Collection method: clinical testing. Allele origin: germline. Observed: 1 variant allele.
Comment: BS1, PP3, PP4, PM5

Victorian Clinical Genetics Services, Murdoch Childrens Research Institute
Classification: Uncertain significance for Niemann-Pick disease, type C1. Last evaluated: 2024-09-20. Review status: criteria provided, single submitter. Criteria: ACMG Guidelines, 2015. Collection method: clinical testing. Allele origin: germline. Inheritance: Autosomal recessive inheritance.
Comment: Based on the classification scheme VCGS_Germline_v1.3.4, this variant is classified as VUS-3A. Following criteria are met: 0102 - Loss of function is a known mechanism of disease in this gene and is associated with type C1 Niemann-Pick disease (MIM#257220) and type D Niemann-Pick disease (MIM#257220). (I) 0106 - This gene is associated with autosomal recessive disease. (I) 0115 - Variants in this gene are known to have variable expressivity. Phenotypic variability has been observed amongst individuals carrying the same pathogenic variant (PMID: 32138288). (I) 0200 - Variant is predicted to result in a missense amino acid change from serine to leucine (I) 0251 - This variant is heterozygous. (I) 0304 - Variant is present in gnomAD (v2) <0.01 for a recessive condition (200 heterozygotes, 0 homozygotes). (SP) 0502 - Missense variant with conflicting in silico predictions and uninformative conservation. (I) 0604 - Variant is not located in an established domain, motif, hotspot or informative constraint region. (I) 0704 - Another missense variant comparable to the one identified in this case has limited previous evidence for pathogenicity. p.(Ser1004Pro) has been observed in two individuals from one family with Niemann-Pick disease type C1 who also have p.(Ala927Val) (PMID: 32222928). (SP) 0808 - Previous reports of pathogenicity for this variant are conflicting. This variant has been classified as a VUS and as likely pathogenic by clinical laboratories in ClinVar. It has also been observed in three individuals from two families with 'variant' or atypical Niemann-Pick disease type C1, one family was confirmed to be compound heterozygous, the other had a second variant but the phasing was not confirmed (PMIDs: 11349231, 30119649). (I) 1208 - Inheritance information for this variant is not currently available in this individual. (I) Legend: (SP) - Supporting pathogenic, (I) - Information, (SB) - Supporting benign

Blueprint Genetics
Classification: Uncertain significance. Last evaluated: 2024-09-17. Review status: criteria provided, single submitter. Criteria: ACMG Guidelines, 2015. Collection method: clinical testing. Allele origin: germline.

Laboratory of Medical Genetics, National & Kapodistrian University of Athens
Classification: Likely pathogenic for Niemann-Pick disease, type C1. Last evaluated: 2024-02-01. Review status: criteria provided, single submitter. Criteria: ACMG Guidelines, 2015. Collection method: curation. Allele origin: germline. Affected: no.

NM_000271.5(NPC1):c.3011C>T (p.Ser1004Leu)

Gene: NPC1 (NPC intracellular cholesterol transporter 1; minus strand). Cytogenetic location: 18q11.2.
Variant type: single nucleotide variant.
Coding change: c.3011C>T on transcript NM_000271.5 (MANE Select); coding-DNA position 3011, C replaced by T.
Protein change: p.Ser1004Leu; replaces serine 1004 with leucine.
Molecular consequence: missense variant.
Genome position (GRCh38, 1-based): chr18:23,538,572, G>A on the plus strand (C>T on the coding strand, the complement: NPC1 is on the minus strand). VCF-style: chr18-23538572-G-A. GRCh37 (hg19) VCF-style: chr18-21118536-G-A.
Other names: short protein forms S1004L.
Identifiers: ClinVar variation 326253 (VCV000326253.59), dbSNP rs150334966, ClinGen allele CA8912897.